The following is an entry in ClinVar:

ClinVar aggregate classification (germline): Benign. Review status: criteria provided, multiple submitters, no conflicts (2 of 4 stars). 3 submissions from 3 submitters: Benign (2). 1 of the submissions does not count toward it. Last evaluated 2019-12-31.

Conditions:
PLXNA3-related disorder. Also called: PLXNA3-related condition.

Allele frequency attached by ClinVar (database versions not stated): 1000 Genomes Project 30x 0.00312; 1000 Genomes Project 0.00344; ExAC 0.00428; gnomAD exomes 0.00428; TOPMed 0.00457; ESP Exome Variant Server 0.00493; gnomAD 0.00651.

Submissions (3):

Labcorp Genetics (formerly Invitae), Labcorp
Classification: Benign. Last evaluated: 2019-12-31. Review status: criteria provided, single submitter. Criteria: Invitae Variant Classification Sherloc (09022015). Collection method: clinical testing. Allele origin: germline.

Breakthrough Genomics
Classification: Benign. Review status: criteria provided, single submitter. Criteria: ACMG Guidelines, 2015. Collection method: not provided. Allele origin: germline. Inheritance: Unknown mechanism. Affected: yes.

PreventionGenetics, part of Exact Sciences
Classification: Benign for PLXNA3-related condition. Last evaluated: 2019-07-24. Review status: no assertion criteria provided. Collection method: clinical testing. Allele origin: germline. Not counted in ClinVar's aggregate classification.
Comment: This variant is classified as benign based on ACMG/AMP sequence variant interpretation guidelines (Richards et al. 2015 PMID: 25741868, with internal and published modifications).

NM_017514.5(PLXNA3):c.4077C>T (p.Arg1359=)

Gene: PLXNA3 (plexin A3; plus strand). Cytogenetic location: Xq28.
Variant type: single nucleotide variant.
Coding change: c.4077C>T on transcript NM_017514.5 (MANE Select); coding-DNA position 4077, C replaced by T.
Protein change: p.Arg1359=; no amino-acid change (arginine 1359 retained).
Molecular consequence: synonymous variant.
Genome position (GRCh38, 1-based): chrX:154,468,416, C>T. VCF-style: chrX-154468416-C-T. GRCh37 (hg19) VCF-style: chrX-153696759-C-T.
Identifiers: ClinVar variation 790297 (VCV000790297.7), dbSNP rs144393472, ClinGen allele CA10564797.